The following is an entry in ClinVar:

ClinVar aggregate classification (germline): Conflicting classifications of pathogenicity. Review status: criteria provided, conflicting classifications (1 of 4 stars). 10 submissions from 8 submitters: Uncertain significance (7); Likely benign (2). 1 of the submissions does not count toward it. Last evaluated 2024-11-06.

Conditions:
Acute febrile neutrophilic dermatosis (AFND). Also called: Sweet Syndrome; Gomm Button disease. Identifiers: Orphanet 3243, MedGen C0085077, MONDO:0011959, OMIM 608068.
Familial Mediterranean fever (FMF). Also called: POLYSEROSITIS, FAMILIAL PAROXYSMAL; POLYSEROSITIS, RECURRENT; Periodic peritonitis; Benign paroxysmal peritonitis. Identifiers: Orphanet 342, MedGen C0031069, MONDO:0018088, OMIM 249100. Disease mechanism: gain of function.
Familial Mediterranean fever, autosomal dominant. Also called: Dominant Familial Mediterranean Fever; FMF, AUTOSOMAL DOMINANT. Identifiers: Orphanet 342, MedGen C1851347, MONDO:0007601, OMIM 134610.
Autoinflammatory syndrome. Identifiers: Orphanet 93665, MedGen C3890737, MONDO:0019751.

Allele frequency attached by ClinVar (database versions not stated): TOPMed 0.00016; ExAC 0.00032; 1000 Genomes Project 0.00040.

Submissions (10):

Blueprint Genetics
Classification: Uncertain significance. Last evaluated: 2024-11-06. Review status: criteria provided, single submitter. Criteria: ACMG Guidelines, 2015. Collection method: clinical testing. Allele origin: germline.

Genome-Nilou Lab
Classification: Uncertain significance for Familial Mediterranean fever. Last evaluated: 2023-02-08. Review status: criteria provided, single submitter. Criteria: ACMG Guidelines, 2015. Collection method: clinical testing. Allele origin: germline.

Genome-Nilou Lab
Classification: Likely benign for Familial Mediterranean fever, autosomal dominant. Last evaluated: 2023-02-08. Review status: criteria provided, single submitter. Criteria: ACMG Guidelines, 2015. Collection method: clinical testing. Allele origin: germline.

Genome-Nilou Lab
Classification: Likely benign for Acute febrile neutrophilic dermatosis. Last evaluated: 2023-02-08. Review status: criteria provided, single submitter. Criteria: ACMG Guidelines, 2015. Collection method: clinical testing. Allele origin: germline.

Labcorp Genetics (formerly Invitae), Labcorp
Classification: Uncertain significance for Familial Mediterranean fever. Last evaluated: 2022-09-26. Review status: criteria provided, single submitter. Criteria: Invitae Variant Classification Sherloc (09022015). Collection method: clinical testing. Allele origin: germline.
Comment: This sequence change replaces proline, which is neutral and non-polar, with threonine, which is neutral and polar, at codon 183 of the MEFV protein (p.Pro183Thr). This variant is present in population databases (rs202196752, gnomAD 0.2%). This variant has not been reported in the literature in individuals affected with MEFV-related conditions. ClinVar contains an entry for this variant (Variation ID: 234358). Algorithms developed to predict the effect of missense changes on protein structure and function output the following: SIFT: "Tolerated"; PolyPhen-2: "Benign"; Align-GVGD: "Class C0". The threonine amino acid residue is found in multiple mammalian species, which suggests that this missense change does not adversely affect protein function. In summary, the available evidence is currently insufficient to determine the role of this variant in disease. Therefore, it has been classified as a Variant of Uncertain Significance.

Fulgent Genetics
Classification: Uncertain significance for Familial Mediterranean fever, autosomal dominant; Familial Mediterranean fever; Acute febrile neutrophilic dermatosis. Last evaluated: 2022-03-07. Review status: criteria provided, single submitter. Criteria: ACMG Guidelines, 2015. Collection method: clinical testing. Allele origin: unknown.

GeneDx
Classification: Uncertain significance. Last evaluated: 2021-08-25. Review status: criteria provided, single submitter. Criteria: GeneDx Variant Classification Process June 2021. Collection method: clinical testing. Allele origin: germline. Affected: yes.
Comment: Reported in a review paper as a variant of uncertain significance; no patient information is provided as the variant was sourced from ClinVar (Martorana D et al., 2017); In silico analysis supports that this missense variant does not alter protein structure/function; This variant is associated with the following publications: (PMID: 28421071)

Genome Diagnostics Laboratory, The Hospital for Sick Children
Classification: Uncertain significance for Autoinflammatory syndrome. Last evaluated: 2016-12-12. Review status: criteria provided, single submitter. Criteria: ACMG Guidelines, 2015. Collection method: clinical testing. Allele origin: germline. Affected: yes.

Breakthrough Genomics
Classification: Uncertain significance. Review status: criteria provided, single submitter. Criteria: ACMG Guidelines, 2015. Collection method: not provided. Allele origin: germline. Inheritance: Autosomal recessive inheritance. Affected: yes.

Natera, Inc.
Classification: Uncertain significance for Familial Mediterranean fever. Last evaluated: 2019-10-28. Review status: no assertion criteria provided. Collection method: clinical testing. Allele origin: germline. Not counted in ClinVar's aggregate classification.

NM_000243.3(MEFV):c.547C>A (p.Pro183Thr)

Gene: MEFV (MEFV innate immunity regulator, pyrin; minus strand). Cytogenetic location: 16p13.3.
Variant type: single nucleotide variant.
Coding change: c.547C>A on transcript NM_000243.3 (MANE Select); coding-DNA position 547, C replaced by A.
Protein change: p.Pro183Thr; replaces proline 183 with threonine.
Molecular consequence: missense variant. On other transcripts: intron variant (1).
Genome position (GRCh38, 1-based): chr16:3,254,521, G>T on the plus strand (C>A on the coding strand, the complement: MEFV is on the minus strand). VCF-style: chr16-3254521-G-T. GRCh37 (hg19) VCF-style: chr16-3304521-G-T.
Other names: c.277+1790C>A (NM_001198536.2); short protein forms P183T.
Identifiers: ClinVar variation 234358 (VCV000234358.17), dbSNP rs202196752, ClinGen allele CA7860401.
Genomic context (GRCh38, chr16:3,254,521, plus strand): 5'-GCCGGACCTCGGCCTGGCCCCCCTCTAGCGCCCTGCAGGGGCCGGGGCTTCTCCCGCCCG[G>T]CAGGGCCGGGCTCCGGGTCCGAGGCTTGCCCTGCGCGTCCAGGCCCTCCGAGGCCTTCTC-3'
Protein context (NP_000234.1, residues 173-193): GKPRTRSPAL[Pro183Thr]GGRSPGPCRA